The following is an entry in ClinVar:

NM_025081.3(NYNRIN):c.2597C>T (p.Pro866Leu)

Gene: NYNRIN (NYN domain and retroviral integrase containing; plus strand). Cytogenetic location: 14q12.
Variant type: single nucleotide variant.
Coding change: c.2597C>T on transcript NM_025081.3 (MANE Select); coding-DNA position 2597, C replaced by T.
Protein change: p.Pro866Leu; replaces proline 866 with leucine.
Molecular consequence: missense variant.
Genome position (GRCh38, 1-based): chr14:24,411,405, C>T. VCF-style: chr14-24411405-C-T. GRCh37 (hg19) VCF-style: chr14-24880611-C-T.
Other names: short protein forms P866L.
Identifiers: ClinVar variation 3349575 (VCV003349575.1).

ClinVar aggregate classification (germline): Uncertain significance (0 of 4 stars; one submission).

Conditions:
NYNRIN-related disorder. Also called: NYNRIN-related condition.

Submission:

PreventionGenetics, part of Exact Sciences
Classification: Uncertain significance for NYNRIN-related condition. Last evaluated: 2024-03-20. Review status: no assertion criteria provided. Collection method: clinical testing. Allele origin: germline.
Comment: The NYNRIN c.2597C>T variant is predicted to result in the amino acid substitution p.Pro866Leu. To our knowledge, this variant has not been reported in the literature or in a large population database, indicating this variant is rare. At this time, the clinical significance of this variant is uncertain due to the absence of conclusive functional and genetic evidence.